The following is an entry in ClinVar:

NM_001365480.1(CCDC88A):c.4370G>A (p.Gly1457Glu)

Gene: CCDC88A (coiled-coil and HOOK domain protein 88A; minus strand). Cytogenetic location: 2p16.1.
Variant type: single nucleotide variant.
Coding change: c.4370G>A on transcript NM_001365480.1 (MANE Select); coding-DNA position 4370, G replaced by A.
Protein change: p.Gly1457Glu; replaces glycine 1457 with glutamic acid.
Molecular consequence: missense variant.
Genome position (GRCh38, 1-based): chr2:55,308,826, C>T on the plus strand (G>A on the coding strand, the complement: CCDC88A is on the minus strand). VCF-style: chr2-55308826-C-T. GRCh37 (hg19) VCF-style: chr2-55535962-C-T.
Other names: c.4367G>A, p.Gly1456Glu (NM_001135597.2, NM_001254943.2); c.4370G>A, p.Gly1457Glu (NM_018084.5); short protein forms G1457E, G1456E.
Identifiers: ClinVar variation 2098959 (VCV002098959.4), dbSNP rs760108810, ClinGen allele CA1665596.

ClinVar aggregate classification (germline): Uncertain significance (1 of 4 stars; one submission).

Allele frequency attached by ClinVar (database versions not stated): gnomAD exomes below 0.00001; ExAC 0.00001.

Submission:

Labcorp Genetics (formerly Invitae), Labcorp
Classification: Uncertain significance. Last evaluated: 2025-02-24. Review status: criteria provided, single submitter. Criteria: Invitae Variant Classification Sherloc (09022015). Collection method: clinical testing. Allele origin: germline.
Comment: This sequence change replaces glycine, which is neutral and non-polar, with glutamic acid, which is acidic and polar, at codon 1456 of the CCDC88A protein (p.Gly1456Glu). This variant is present in population databases (rs760108810, gnomAD 0.003%). This variant has not been reported in the literature in individuals affected with CCDC88A-related conditions. ClinVar contains an entry for this variant (Variation ID: 2098959). An algorithm developed to predict the effect of missense changes on protein structure and function (PolyPhen-2) suggests that this variant is likely to be tolerated. In summary, the available evidence is currently insufficient to determine the role of this variant in disease. Therefore, it has been classified as a Variant of Uncertain Significance.